The following is an entry in ClinVar:

ClinVar aggregate classification (germline): Pathogenic. Review status: criteria provided, multiple submitters, no conflicts (2 of 4 stars). 4 submissions from 4 submitters: Pathogenic (4). Last evaluated 2026-01-22.

Conditions:
Familial cancer of breast. Also called: BREAST CANCER, FAMILIAL; Hereditary breast cancer; hereditary breast carcinoma. Identifiers: Orphanet 227535, MedGen C0346153, MONDO:0016419, OMIM 114480. Disease mechanism: loss of function.
Fanconi anemia complementation group J. Also called: BRIP1-Related Fanconi Anemia. Identifiers: Orphanet 84, MedGen C1836860, MONDO:0012187, OMIM 609054.
Hereditary cancer-predisposing syndrome. Also called: Neoplastic Syndromes, Hereditary; Tumor predisposition; Hereditary Cancer Syndrome; Hereditary neoplastic syndrome. Identifiers: Orphanet 140162, MedGen C0027672, MeSH D009386, MONDO:0015356.

Submissions (4):

Labcorp Genetics (formerly Invitae), Labcorp
Classification: Pathogenic for Familial cancer of breast; Fanconi anemia complementation group J. Last evaluated: 2026-01-22. Review status: criteria provided, single submitter. Criteria: Invitae Variant Classification Sherloc (09022015). Collection method: clinical testing. Allele origin: germline.
Comment: This sequence change creates a premature translational stop signal (p.Ala402Serfs*19) in the BRIP1 gene. It is expected to result in an absent or disrupted protein product. Loss-of-function variants in BRIP1 are known to be pathogenic (PMID: 16116423, 17033622, 21964575). This variant is not present in population databases (gnomAD no frequency). This variant has not been reported in the literature in individuals affected with BRIP1-related conditions. For these reasons, this variant has been classified as Pathogenic.

Myriad Genetics, Inc.
Classification: Pathogenic for Familial cancer of breast. Last evaluated: 2023-06-01. Review status: criteria provided, single submitter. Criteria: Myriad Autosomal Dominant, Autosomal Recessive and X-Linked Classification Criteria (2023). Collection method: clinical testing. Allele origin: unknown.
Comment: This variant is considered pathogenic. This variant creates a frameshift predicted to result in premature protein truncation.

Color Diagnostics, LLC DBA Color Health
Classification: Pathogenic for Hereditary cancer-predisposing syndrome. Last evaluated: 2021-08-23. Review status: criteria provided, single submitter. Criteria: ACMG Guidelines, 2015. Collection method: clinical testing. Allele origin: germline.
Comment: This variant deletes 2 nucleotides in exon 9 of the BRIP1 gene, creating a frameshift and premature translation stop signal. This variant is expected to result in an absent or non-functional protein product. To our knowledge, this variant has not been reported in individuals affected with hereditary cancer in the literature. This variant has not been identified in the general population by the Genome Aggregation Database (gnomAD). Loss of BRIP1 function is a known mechanism of disease. Based on the available evidence, this variant is classified as Pathogenic.

Ambry Genetics
Classification: Pathogenic for Hereditary cancer-predisposing syndrome. Last evaluated: 2020-04-06. Review status: criteria provided, single submitter. Criteria: Ambry Variant Classification Scheme 2023. Collection method: clinical testing. Allele origin: germline.
Comment: The c.1203_1204delTG pathogenic mutation, located in coding exon 8 of the BRIP1 gene, results from a deletion of two nucleotides at nucleotide positions 1203 to 1204, causing a translational frameshift with a predicted alternate stop codon (p.A402Sfs*19). This alteration is expected to result in loss of function by premature protein truncation or nonsense-mediated mRNA decay. As such, this alteration is interpreted as a disease-causing mutation.

Literature cited by the submitters: PubMed 16116423 (cited by Labcorp Genetics (formerly Invitae), Labcorp); PubMed 17033622 (cited by Labcorp Genetics (formerly Invitae), Labcorp); PubMed 21964575 (cited by Labcorp Genetics (formerly Invitae), Labcorp).

NM_032043.3(BRIP1):c.1203_1204del (p.Ala402fs)

Gene: BRIP1 (BRCA1 interacting DNA helicase 1; minus strand). Cytogenetic location: 17q23.2.
Variant type: Microsatellite.
Coding change: c.1203_1204del on transcript NM_032043.3 (MANE Select); coding-DNA positions 1203 to 1204, 2 bases deleted (TG; older notation c.1203_1204delTG).
Protein change: p.Ala402fs; shifts the reading frame from alanine 402.
Molecular consequence: frameshift variant.
Genome position (GRCh38, 1-based): chr17:61,799,236-61,799,237, CA deleted on the plus strand (TG on the coding strand, the reverse complement: BRIP1 is on the minus strand); deleting any 2 consecutive bases within chr17:61,799,236-61,799,239 gives the same sequence; the c. name uses the placement nearest the transcript's 3' end. VCF-style (leftmost placement, unchanged base first): chr17-61799235-GCA-G. GRCh37 (hg19) VCF-style: chr17-59876596-GCA-G.
Other names: c.1203_1204delTG (NM_032043.2); c.1201_1202TG[1], p.Ala402Serfs (NM_032043.2); short protein forms A402fs.
Identifiers: ClinVar variation 1748000 (VCV001748000.7), dbSNP rs730881647, ClinGen allele CA2580613198.